The following is an entry in ClinVar:

ClinVar aggregate classification (germline): Pathogenic (1 of 4 stars; one submission).

Submission:

GeneDx
Classification: Pathogenic. Last evaluated: 2016-12-20. Review status: criteria provided, single submitter. Criteria: GeneDx Variant Classification (06012015). Collection method: clinical testing. Allele origin: germline. Affected: yes.
Comment: The S88X variant in the BCL11A gene has not been reported previously as a pathogenic variant nor as a benign variant, to our knowledge. This variant is predicted to cause loss of normal protein function either through protein truncation or nonsense-mediated mRNA decay. The S88X variant was not observed in approximately 6500 individuals of European and African American ancestry in the NHLBI Exome Sequencing Project, indicating it is not a common benign variant in these populations. We interpret S88X as a pathogenic variant.

NM_022893.4(BCL11A):c.263C>A (p.Ser88Ter)

Gene: BCL11A (BCL11 transcription factor A; minus strand). Cytogenetic location: 2p16.1.
Variant type: single nucleotide variant.
Coding change: c.263C>A on transcript NM_022893.4 (MANE Select); coding-DNA position 263, C replaced by A.
Protein change: p.Ser88Ter; replaces serine 88 with a stop codon.
Molecular consequence: nonsense.
Genome position (GRCh38, 1-based): chr2:60,546,093, G>T on the plus strand (C>A on the coding strand, the complement: BCL11A is on the minus strand). VCF-style: chr2-60546093-G-T. GRCh37 (hg19) VCF-style: chr2-60773228-G-T.
Other names: c.263C>A, p.Ser88Ter (NM_001363864.1, NM_001365609.1, NM_018014.4 and 1 more transcripts); short protein forms S88*.
Identifiers: ClinVar variation 391343 (VCV000391343.2), dbSNP rs1057524042, ClinGen allele CA16604244.
Genomic context (GRCh38, chr2:60,546,093, plus strand): 5'-TCTGGCGTGACCTGGATGCCAACCTCCACGGGATTGGATGCTTTTTTCATCTCGATTGGT[G>T]AAGGGGAAGGTGGCTTATCCACAGCTTTTTCTAAGCAGAGGCTGCCATTGCATTGTTTCC-3'